The following is an entry in ClinVar:

ClinVar aggregate classification (germline): Uncertain significance (1 of 4 stars; one submission).

Conditions:
Peutz-Jeghers syndrome (PJS). Also called: POLYPOSIS, HAMARTOMATOUS INTESTINAL; POLYPS-AND-SPOTS SYNDROME; Peutz-Jeghers polyposis; Periorificial lentiginosis syndrome. Identifiers: Orphanet 2869, MedGen C0031269, MeSH D010580, MONDO:0008280, OMIM 175200.

Submission:

Labcorp Genetics (formerly Invitae), Labcorp
Classification: Uncertain significance for Peutz-Jeghers syndrome. Last evaluated: 2022-04-03. Review status: criteria provided, single submitter. Criteria: Invitae Variant Classification Sherloc (09022015). Collection method: clinical testing. Allele origin: germline.
Comment: In summary, the available evidence is currently insufficient to determine the role of this variant in disease. Therefore, it has been classified as a Variant of Uncertain Significance. Advanced modeling of protein sequence and biophysical properties (such as structural, functional, and spatial information, amino acid conservation, physicochemical variation, residue mobility, and thermodynamic stability) performed at Invitae indicates that this missense variant is not expected to disrupt STK11 protein function. This variant has not been reported in the literature in individuals affected with STK11-related conditions. This variant is not present in population databases (gnomAD no frequency). This sequence change replaces isoleucine, which is neutral and non-polar, with valine, which is neutral and non-polar, at codon 260 of the STK11 protein (p.Ile260Val).

NM_000455.5(STK11):c.778A>G (p.Ile260Val)

Gene: STK11 (serine/threonine kinase 11; plus strand). Cytogenetic location: 19p13.3.
Variant type: single nucleotide variant.
Coding change: c.778A>G on transcript NM_000455.5 (MANE Select); coding-DNA position 778, A replaced by G.
Protein change: p.Ile260Val; replaces isoleucine 260 with valine.
Molecular consequence: missense variant.
Genome position (GRCh38, 1-based): chr19:1,221,256, A>G. VCF-style: chr19-1221256-A-G. GRCh37 (hg19) VCF-style: chr19-1221255-A-G.
Other names: c.778A>G, p.Ile260Val (NM_001407255.1); short protein forms I260V.
Identifiers: ClinVar variation 2121010 (VCV002121010.2), dbSNP rs2512945114, ClinGen allele CA402950462.